The following is an entry in ClinVar:

ClinVar aggregate classification (germline): Uncertain significance (1 of 4 stars; one submission).

Submission:

GeneDx
Classification: Uncertain significance. Last evaluated: 2019-06-04. Review status: criteria provided, single submitter. Criteria: GeneDx Variant Classification Process June 2021. Collection method: clinical testing. Allele origin: germline. Affected: yes.
Comment: Not observed in large population cohorts (Lek et al., 2016); Frameshift variant predicted to result in protein truncation as the last 88 amino acids are lost and replaced with 15 incorrect amino acids, although loss-of-function variants have not been reported downstream of this position in the protein; Has not been previously published as pathogenic or benign to our knowledge

NM_145199.3(LIPT1):c.858_861delinsGTATTA (p.His286fs)

Genes: MITD1 (microtubule interacting and trafficking domain containing 1; minus strand), LIPT1 (lipoyltransferase 1; plus strand). Cytogenetic location: 2q11.2.
Variant type: Indel.
Coding change: c.858_861delinsGTATTA on transcript NM_145199.3 (MANE Select); coding-DNA positions 858 to 861, TGTG replaced by GTATTA.
Protein change: p.His286fs; shifts the reading frame from histidine 286.
Molecular consequence: frameshift variant. On other transcripts: non-coding transcript variant (2).
Genome position (GRCh38, 1-based): chr2:99,162,815-99,162,818, TGTG replaced by GTATTA. VCF-style: chr2-99162815-TGTG-GTATTA. GRCh37 (hg19) VCF-style: chr2-99779278-TGTG-GTATTA.
Other names: c.858_861delinsGTATTA, p.His286fs (NM_001204830.2, NM_015929.4, NM_145197.3 and 1 more transcripts); short protein forms H286fs.
Identifiers: ClinVar variation 1303234 (VCV001303234.2), dbSNP rs2105202693, ClinGen allele CA2573052043.